The following is an entry in ClinVar:

ClinVar aggregate classification (germline): Uncertain significance (1 of 4 stars; one submission).

Allele frequency attached by ClinVar (database versions not stated): TOPMed below 0.00001; gnomAD 0.00001.
gnomAD v4.1: 1 of 1,611,978 alleles (0.000062%); highest among the groups gnomAD compares: African/African-American, 0.0013%; no homozygotes.

Submission:

GeneDx
Classification: Uncertain significance. Last evaluated: 2021-03-29. Review status: criteria provided, single submitter. Criteria: GeneDx Variant Classification Process June 2021. Collection method: clinical testing. Allele origin: germline. Affected: yes.
Comment: Not observed at a significant frequency in large population cohorts (Lek et al., 2016); In silico analysis supports that this missense variant does not alter protein structure/function; Has not been previously published as pathogenic or benign to our knowledge

NM_000426.4(LAMA2):c.7437G>C (p.Leu2479Phe)

Gene: LAMA2 (laminin subunit alpha 2; plus strand). Cytogenetic location: 6q22.33.
Variant type: single nucleotide variant.
Coding change: c.7437G>C on transcript NM_000426.4 (MANE Select); coding-DNA position 7437, G replaced by C.
Protein change: p.Leu2479Phe; replaces leucine 2479 with phenylalanine.
Molecular consequence: missense variant.
Genome position (GRCh38, 1-based): chr6:129,473,350, G>C. VCF-style: chr6-129473350-G-C. GRCh37 (hg19) VCF-style: chr6-129794495-G-C.
Other names: c.7437G>C, p.Leu2479Phe (NM_001079823.2); short protein forms L2479F.
Identifiers: ClinVar variation 1211493 (VCV001211493.3), dbSNP rs1353846096, ClinGen allele CA365624741.